The following is an entry in ClinVar:

ClinVar aggregate classification (germline): Benign/Likely benign. Review status: criteria provided, multiple submitters, no conflicts (2 of 4 stars). 3 submissions from 3 submitters: Benign (2); Likely benign (1). Last evaluated 2026-02-01.

Allele frequency attached by ClinVar (database versions not stated): gnomAD exomes 0.00086; ExAC 0.00107; 1000 Genomes Project 0.00160; 1000 Genomes Project 30x 0.00187; gnomAD 0.00356 and 0.00390; ESP Exome Variant Server 0.00357; TOPMed 0.00418.
gnomAD v4.1: 1,080 of 1,613,634 alleles (0.067%); highest among the groups gnomAD compares: African/African-American, 1.3%; 6 homozygotes.

Submissions (3):

CeGaT Center for Human Genetics Tuebingen
Classification: Likely benign. Last evaluated: 2026-02-01. Review status: criteria provided, single submitter. Criteria: CeGaT Center For Human Genetics Tuebingen Variant Classification Criteria Version 2. Collection method: clinical testing. Allele origin: germline. Affected: yes. Observed: 1 variant allele.
Comment: RUBCN: BP4, BP7, BS1

Labcorp Genetics (formerly Invitae), Labcorp
Classification: Benign. Last evaluated: 2019-12-31. Review status: criteria provided, single submitter. Criteria: Invitae Variant Classification Sherloc (09022015). Collection method: clinical testing. Allele origin: germline.

Breakthrough Genomics
Classification: Benign. Review status: criteria provided, single submitter. Criteria: ACMG Guidelines, 2015. Collection method: not provided. Allele origin: germline. Inheritance: Autosomal recessive inheritance. Affected: yes.

NM_014687.4(RUBCN):c.825C>T (p.Ala275=)

Gene: RUBCN (rubicon autophagy regulator; minus strand). Cytogenetic location: 3q29.
Variant type: single nucleotide variant.
Coding change: c.825C>T on transcript NM_014687.4 (MANE Select); coding-DNA position 825, C replaced by T.
Protein change: p.Ala275=; no amino-acid change (alanine 275 retained).
Molecular consequence: synonymous variant.
Genome position (GRCh38, 1-based): chr3:197,701,049, G>A on the plus strand (C>T on the coding strand, the complement: RUBCN is on the minus strand). VCF-style: chr3-197701049-G-A. GRCh37 (hg19) VCF-style: chr3-197427920-G-A.
Other names: c.645C>T, p.Ala215= (NM_001145642.5); c.825C>T, p.Ala275= (NM_001346873.2).
Identifiers: ClinVar variation 730541 (VCV000730541.9), dbSNP rs141361070, ClinGen allele CA2787111.